The following is an entry in ClinVar:

NM_000263.4(NAGLU):c.317_323del (p.Ser106fs)

Gene: NAGLU (N-acetyl-alpha-glucosaminidase; plus strand). Cytogenetic location: 17q21.2.
Variant type: Deletion.
Coding change: c.317_323del on transcript NM_000263.4 (MANE Select); coding-DNA positions 317 to 323, 7 bases deleted (CTCAGCT; older notation c.317_323delCTCAGCT).
Protein change: p.Ser106fs; shifts the reading frame from serine 106.
Molecular consequence: frameshift variant.
Genome position (GRCh38, 1-based): chr17:42,536,589-42,536,595, CTCAGCT deleted; deleting any 7 consecutive bases within chr17:42,536,586-42,536,595 gives the same sequence; the c. name uses the placement nearest the transcript's 3' end. VCF-style (leftmost placement, unchanged base first): chr17-42536585-GGCTCTCA-G. GRCh37 (hg19) VCF-style: chr17-40688603-GGCTCTCA-G.
Other names: short protein forms S106fs.
Identifiers: ClinVar variation 1451661 (VCV001451661.6), dbSNP rs2143077277, ClinGen allele CA2573154146.

ClinVar aggregate classification (germline): Pathogenic (1 of 4 stars; one submission).

Conditions:
Mucopolysaccharidosis, MPS-III-B (MPS3B). Also called: N-ACETYL-ALPHA-D-GLUCOSAMINIDASE DEFICIENCY; NAGLU DEFICIENCY; SANFILIPPO SYNDROME B; MPS III B; MPS IIIB (Sanfilippo Syndrome Type B); MUCOPOLYSACCHARIDOSIS, TYPE IIIB. Identifiers: Orphanet 79270, MedGen C0086648, MONDO:0009656, OMIM 252920.
Charcot-Marie-Tooth disease axonal type 2V. Also called: CHARCOT-MARIE-TOOTH NEUROPATHY, TYPE 2V; CHARCOT-MARIE-TOOTH DISEASE, AXONAL, AUTOSOMAL DOMINANT, TYPE 2V. Identifiers: Orphanet 447964, MedGen C5569050, MONDO:0014665, OMIM 616491.

Submission:

Labcorp Genetics (formerly Invitae), Labcorp
Classification: Pathogenic for Charcot-Marie-Tooth disease axonal type 2V; Mucopolysaccharidosis, MPS-III-B. Last evaluated: 2021-03-23. Review status: criteria provided, single submitter. Criteria: Invitae Variant Classification Sherloc (09022015). Collection method: clinical testing. Allele origin: germline.
Comment: For these reasons, this variant has been classified as Pathogenic. This variant has not been reported in the literature in individuals with NAGLU-related conditions. The frequency data for this variant in the population databases is considered unreliable, as metrics indicate insufficient coverage at this position in the ExAC database. This sequence change creates a premature translational stop signal (p.Ser106Cysfs*14) in the NAGLU gene. It is expected to result in an absent or disrupted protein product. Loss-of-function variants in NAGLU are known to be pathogenic (PMID: 9832037, 10094189, 16151907).

Literature cited by the submitters: PubMed 9832037; PubMed 10094189; PubMed 16151907.